The following is an entry in ClinVar:

ClinVar aggregate classification (germline): Uncertain significance. Review status: criteria provided, multiple submitters, no conflicts (2 of 4 stars). 2 submissions from 2 submitters: Uncertain significance (2). Last evaluated 2024-09-30.

Conditions:
Hereditary cancer-predisposing syndrome. Also called: Hereditary neoplastic syndrome; Tumor predisposition; Neoplastic Syndromes, Hereditary; Hereditary Cancer Syndrome. Identifiers: Orphanet 140162, MedGen C0027672, MeSH D009386, MONDO:0015356.
Cardiovascular phenotype. Identifiers: MedGen CN230736.
Neurofibromatosis, type 1 (NF1). Also called: Peripheral type neurofibromatosis; VON RECKLINGHAUSEN DISEASE; NEUROFIBROMATOSIS, TYPE I, SOMATIC; Neurofibromatosis, type I. Identifiers: Orphanet 636, MedGen C0027831, MONDO:0018975, OMIM 162200. Disease mechanism: loss of function.

Allele frequency attached by ClinVar (database versions not stated): gnomAD exomes below 0.00001.
gnomAD v4.1: 1 of 1,614,056 alleles (0.000062%); highest among the groups gnomAD compares: Non-Finnish European, 0.000085%; no homozygotes.

Submissions (2):

Ambry Genetics
Classification: Uncertain significance for Cardiovascular phenotype; Hereditary cancer-predisposing syndrome. Last evaluated: 2024-09-30. Review status: criteria provided, single submitter. Criteria: Ambry Variant Classification Scheme 2023. Collection method: clinical testing. Allele origin: germline.
Comment: The p.P1358L variant (also known as c.4073C>T), located in coding exon 30 of the NF1 gene, results from a C to T substitution at nucleotide position 4073. The proline at codon 1358 is replaced by leucine, an amino acid with similar properties. This amino acid position is conserved. In addition, this alteration is predicted to be deleterious by in silico analysis. Based on the available evidence, the clinical significance of this variant remains unclear.

Labcorp Genetics (formerly Invitae), Labcorp
Classification: Uncertain significance for Neurofibromatosis, type 1. Last evaluated: 2019-09-26. Review status: criteria provided, single submitter. Criteria: Invitae Variant Classification Sherloc (09022015). Collection method: clinical testing. Allele origin: germline.
Comment: In summary, the available evidence is currently insufficient to determine the role of this variant in disease. Therefore, it has been classified as a Variant of Uncertain Significance. Algorithms developed to predict the effect of missense changes on protein structure and function are either unavailable or do not agree on the potential impact of this missense change (SIFT: "Deleterious"; PolyPhen-2: "Probably Damaging"; Align-GVGD: "Class C0"). This sequence change replaces proline with leucine at codon 1358 of the NF1 protein (p.Pro1358Leu). The proline residue is highly conserved and there is a moderate physicochemical difference between proline and leucine. This variant is not present in population databases (ExAC no frequency). This variant has not been reported in the literature in individuals with NF1-related conditions.

NM_001042492.3(NF1):c.4073C>T (p.Pro1358Leu)

Gene: NF1 (neurofibromin 1; plus strand). Cytogenetic location: 17q11.2.
Variant type: single nucleotide variant.
Coding change: c.4073C>T on transcript NM_001042492.3 (MANE Select); coding-DNA position 4073, C replaced by T.
Protein change: p.Pro1358Leu; replaces proline 1358 with leucine.
Molecular consequence: missense variant.
Genome position (GRCh38, 1-based): chr17:31,249,082, C>T. VCF-style: chr17-31249082-C-T. GRCh37 (hg19) VCF-style: chr17-29576100-C-T.
Other names: c.4073C>T, p.Pro1358Leu (NM_000267.4); short protein forms P1358L.
Identifiers: ClinVar variation 961194 (VCV000961194.7), dbSNP rs2067450726, ClinGen allele CA398995028.